The following is an entry in ClinVar:

NM_007289.4(MME):c.1450G>C (p.Asp484His)

Gene: MME (membrane metalloendopeptidase; plus strand). Cytogenetic location: 3q25.2.
Variant type: single nucleotide variant.
Coding change: c.1450G>C on transcript NM_007289.4 (MANE Select); coding-DNA position 1450, G replaced by C.
Protein change: p.Asp484His; replaces aspartic acid 484 with histidine.
Molecular consequence: missense variant.
Genome position (GRCh38, 1-based): chr3:155,147,177, G>C. VCF-style: chr3-155147177-G-C. GRCh37 (hg19) VCF-style: chr3-154864966-G-C.
Other names: c.1450G>C, p.Asp484His (NM_000902.5, NM_001354642.2, NM_001354643.1 and 2 more transcripts); short protein forms D484H.
Identifiers: ClinVar variation 1955214 (VCV001955214.5), dbSNP rs746294351, ClinGen allele CA2675517.

ClinVar aggregate classification (germline): Uncertain significance (1 of 4 stars; one submission).

Allele frequency attached by ClinVar (database versions not stated): ExAC 0.00001.
gnomAD v4.1: 3 of 1,608,960 alleles (0.00019%); highest among the groups gnomAD compares: Non-Finnish European, 0.00026%; no homozygotes.

Submission:

Labcorp Genetics (formerly Invitae), Labcorp
Classification: Uncertain significance. Last evaluated: 2022-04-16. Review status: criteria provided, single submitter. Criteria: Invitae Variant Classification Sherloc (09022015). Collection method: clinical testing. Allele origin: germline.
Comment: In summary, the available evidence is currently insufficient to determine the role of this variant in disease. Therefore, it has been classified as a Variant of Uncertain Significance. Algorithms developed to predict the effect of missense changes on protein structure and function are either unavailable or do not agree on the potential impact of this missense change (SIFT: "Deleterious"; PolyPhen-2: "Possibly Damaging"; Align-GVGD: "Class C0"). This variant has not been reported in the literature in individuals affected with MME-related conditions. This variant is present in population databases (rs746294351, gnomAD 0.0009%). This sequence change replaces aspartic acid, which is acidic and polar, with histidine, which is basic and polar, at codon 484 of the MME protein (p.Asp484His).